The following is an entry in ClinVar:

NM_000112.4(SLC26A2):c.431C>A (p.Ser144Tyr)

Gene: SLC26A2 (solute carrier family 26 member 2; plus strand). Cytogenetic location: 5q32.
Variant type: single nucleotide variant.
Coding change: c.431C>A on transcript NM_000112.4 (MANE Select); coding-DNA position 431, C replaced by A.
Protein change: p.Ser144Tyr; replaces serine 144 with tyrosine.
Molecular consequence: missense variant.
Genome position (GRCh38, 1-based): chr5:149,978,083, C>A. VCF-style: chr5-149978083-C-A. GRCh37 (hg19) VCF-style: chr5-149357646-C-A.
Other names: short protein forms S144Y.
Identifiers: ClinVar variation 1720502 (VCV001720502.6), dbSNP rs1561819566, ClinGen allele CA361704975.

ClinVar aggregate classification (germline): Uncertain significance (1 of 4 stars; one submission).

Conditions:
Achondrogenesis, type IB (ACG1B). Also called: Achondrogenesis Type 1B. Identifiers: Orphanet 932, Orphanet 93298, MedGen C0265274, MONDO:0010966, OMIM 600972.
Atelosteogenesis type II (AO2). Also called: NEONATAL OSSEOUS DYSPLASIA I; Neonatal osseous dysplasia 1; SLC26A2-Related Atelosteogenesis. Identifiers: Orphanet 56304, MedGen C1850554, MONDO:0009727, OMIM 256050.
Diastrophic dysplasia (DTD). Also called: Diastrophic dwarfism. Identifiers: Orphanet 628, MedGen C0220726, MONDO:0009107, OMIM 222600.
Multiple epiphyseal dysplasia type 4 (EDM4). Also called: MULTIPLE EPIPHYSEAL DYSPLASIA WITH BILAYERED PATELLAE; MULTIPLE EPIPHYSEAL DYSPLASIA WITH CLUBFOOT; MULTIPLE EPIPHYSEAL DYSPLASIA, AUTOSOMAL RECESSIVE; SLC26A2-Related Multiple Epiphyseal Dysplasia; Multiple Epiphyseal Dysplasia, Recessive. Identifiers: Orphanet 93307, MedGen C1847593, MONDO:0009189, OMIM 226900.

Submission:

Labcorp Genetics (formerly Invitae), Labcorp
Classification: Uncertain significance for Atelosteogenesis type II; Multiple epiphyseal dysplasia type 4; Achondrogenesis, type IB; Diastrophic dysplasia. Last evaluated: 2022-07-20. Review status: criteria provided, single submitter. Criteria: Invitae Variant Classification Sherloc (09022015). Collection method: clinical testing. Allele origin: germline.
Comment: This sequence change replaces serine, which is neutral and polar, with tyrosine, which is neutral and polar, at codon 144 of the SLC26A2 protein (p.Ser144Tyr). This variant is present in population databases (no rsID available, gnomAD 0.003%). This variant has not been reported in the literature in individuals affected with SLC26A2-related conditions. Advanced modeling of protein sequence and biophysical properties (such as structural, functional, and spatial information, amino acid conservation, physicochemical variation, residue mobility, and thermodynamic stability) performed at Invitae indicates that this missense variant is expected to disrupt SLC26A2 protein function. In summary, the available evidence is currently insufficient to determine the role of this variant in disease. Therefore, it has been classified as a Variant of Uncertain Significance.